The following is an entry in ClinVar:

NM_030665.4(RAI1):c.4094_4108del (p.Asp1365_Lys1369del)

Gene: RAI1 (retinoic acid induced 1; plus strand). Cytogenetic location: 17p11.2.
Variant type: Deletion.
Coding change: c.4094_4108del on transcript NM_030665.4 (MANE Select); coding-DNA positions 4094 to 4108, 15 bases deleted (ACCGTGGGCTCAAGG).
Protein change: p.Asp1365_Lys1369del.
Genome position (GRCh38, 1-based): chr17:17,797,042-17,797,056, ACCGTGGGCTCAAGG deleted; deleting any 15 consecutive bases within chr17:17,797,041-17,797,056 gives the same sequence; the c. name uses the placement nearest the transcript's 3' end. VCF-style (leftmost placement, unchanged base first): chr17-17797040-AGACCGTGGGCTCAAG-A. GRCh37 (hg19) VCF-style: chr17-17700354-AGACCGTGGGCTCAAG-A.
Identifiers: ClinVar variation 3907705 (VCV003907705.1).

ClinVar aggregate classification (germline): Uncertain significance (1 of 4 stars; one submission).

Submission:

GeneDx
Classification: Uncertain significance. Last evaluated: 2024-12-31. Review status: criteria provided, single submitter. Criteria: GeneDx Variant Classification Process June 2021. Collection method: clinical testing. Allele origin: germline. Affected: yes.
Comment: Not observed at significant frequency in large population cohorts (gnomAD); In-frame deletion of 5 amino acid(s) in a non-repeat region; In silico analysis indicates that this variant does not alter protein structure/function; Has not been previously published as pathogenic or benign to our knowledge